The following is an entry in ClinVar:

NC_000014.8:g.(?_63511812)_(63511904_?)dup

Gene: KCNH5 (potassium voltage-gated channel subfamily H member 5; minus strand). Cytogenetic location: 14q23.2.
Variant type: Duplication.
Identifiers: ClinVar variation 1441685 (VCV001441685.6).

ClinVar aggregate classification (germline): Uncertain significance (1 of 4 stars; one submission).

Conditions:
Developmental and epileptic encephalopathy. Identifiers: MedGen C5779964, MONDO:0100620.

Submission:

Labcorp Genetics (formerly Invitae), Labcorp
Classification: Uncertain significance for Early-infantile DEE. Last evaluated: 2022-09-13. Review status: criteria provided, single submitter. Criteria: Invitae Variant Classification Sherloc (09022015). Collection method: clinical testing. Allele origin: germline.
Comment: In summary, the available evidence is currently insufficient to determine the role of this variant in disease. Therefore, it has been classified as a Variant of Uncertain Significance. Experimental studies and prediction algorithms are not available or were not evaluated, and the functional significance of this variant is currently unknown. This variant has not been reported in the literature in individuals affected with KCNH5-related conditions. This variant results in a copy number gain of the genomic region encompassing exon(s) 1 of the KCNH5 gene. This region includes the initiator codon of the gene. This copy number gain extends beyond the assayed region for this gene and therefore may encompass additional genes. As the precise location of this event is unknown, it may be in tandem or it may be located elsewhere in the genome.